The following is an entry in ClinVar:

NM_001388459.1(FRMPD3):c.5205A>G (p.Gln1735=)

Gene: FRMPD3 (FERM and PDZ domain containing 3; plus strand). Cytogenetic location: Xq22.3.
Variant type: single nucleotide variant.
Coding change: c.5205A>G on transcript NM_001388459.1 (MANE Select); coding-DNA position 5205, A replaced by G.
Protein change: p.Gln1735=; no amino-acid change (glutamine 1735 retained).
Molecular consequence: synonymous variant.
Genome position (GRCh38, 1-based): chrX:107,603,244, A>G. VCF-style: chrX-107603244-A-G. GRCh37 (hg19) VCF-style: chrX-106846474-A-G.
Other names: c.4800A>G, p.Gln1600= (NM_001388462.1); c.5304A>G, p.Gln1768= (NM_032428.2).
Identifiers: ClinVar variation 2661152 (VCV002661152.24), dbSNP rs756947055, ClinGen allele CA10485556.

ClinVar aggregate classification (germline): Likely benign (1 of 4 stars; one submission).

Allele frequency attached by ClinVar (database versions not stated): gnomAD 0.00005; ExAC 0.00032.

Submission:

CeGaT Center for Human Genetics Tuebingen
Classification: Likely benign. Last evaluated: 2022-09-01. Review status: criteria provided, single submitter. Criteria: CeGaT Center For Human Genetics Tuebingen Variant Classification Criteria Version 2. Collection method: clinical testing. Allele origin: germline. Affected: yes. Observed: 1 variant allele.
Comment: FRMPD3: BP4, BP7